The following is an entry in ClinVar:

NM_198334.3(GANAB):c.55G>A (p.Val19Ile)

Gene: GANAB (glucosidase II alpha subunit; minus strand). Cytogenetic location: 11q12.3.
Variant type: single nucleotide variant.
Coding change: c.55G>A on transcript NM_198334.3 (MANE Select); coding-DNA position 55, G replaced by A.
Protein change: p.Val19Ile; replaces valine 19 with isoleucine.
Molecular consequence: missense variant. On other transcripts: 5 prime UTR variant (5), intron variant (2).
Genome position (GRCh38, 1-based): chr11:62,639,715, C>T on the plus strand (G>A on the coding strand, the complement: GANAB is on the minus strand). VCF-style: chr11-62639715-C-T. GRCh37 (hg19) VCF-style: chr11-62407187-C-T.
Other names: c.-128G>A (NM_001278194.2); c.-237G>A (NM_001329222.2); c.-233G>A (NM_001329223.2); c.-722G>A (NM_001329224.2, NM_001329225.2); c.55G>A, p.Val19Ile (NM_198335.4); c.39-4715G>A (NM_001278193.2, NM_001278192.2); short protein forms V19I.
Identifiers: ClinVar variation 3280683 (VCV003280683.2).
Genomic context (GRCh38, chr11:62,639,715, plus strand): 5'-TAAAGTTGCTTCTATCCACAGCAAGGGTAATCCCCAGGCAGACCCCTAAAAAAGCCAGTA[C>T]CAAAGACGCCCAAGACCTAAGGAGAAAAGGACAAAGACAGAGCAATCAGCATGGAGGTCA-3'
Protein context (NP_938148.1, residues 9-29): ARRRRSWASL[Val19Ile]LAFLGVCLGI

ClinVar aggregate classification (germline): Conflicting classifications of pathogenicity. Review status: criteria provided, conflicting classifications (1 of 4 stars). 2 submissions from 2 submitters: Uncertain significance (1); Likely benign (1). Last evaluated 2025-12-30.

Conditions:
Inborn genetic diseases. Identifiers: MedGen C0950123, MeSH D030342.

gnomAD v4.1: 10 of 1,613,118 alleles (0.00062%); highest among the groups gnomAD compares: Admixed American, 0.01%; no homozygotes.

Submissions (2):

Labcorp Genetics (formerly Invitae), Labcorp
Classification: Uncertain significance. Last evaluated: 2025-12-30. Review status: criteria provided, single submitter. Criteria: Invitae Variant Classification Sherloc (09022015). Collection method: clinical testing. Allele origin: germline.
Comment: This sequence change replaces valine, which is neutral and non-polar, with isoleucine, which is neutral and non-polar, at codon 19 of the GANAB protein (p.Val19Ile). This variant is present in population databases (rs769571488, gnomAD 0.01%). This variant has not been reported in the literature in individuals affected with GANAB-related conditions. ClinVar contains an entry for this variant (Variation ID: 3280683). An algorithm developed to predict the effect of missense changes on protein structure and function outputs the following: PolyPhen-2: "Not Available". The isoleucine amino acid residue is found in multiple mammalian species, which suggests that this missense change does not adversely affect protein function. In summary, the available evidence is currently insufficient to determine the role of this variant in disease. Therefore, it has been classified as a Variant of Uncertain Significance.

Ambry Genetics
Classification: Likely benign for Inborn genetic diseases. Last evaluated: 2024-05-31. Review status: criteria provided, single submitter. Criteria: Ambry Variant Classification Scheme 2023. Collection method: clinical testing. Allele origin: germline.